The following is an entry in ClinVar:

ClinVar aggregate classification (germline): Uncertain significance (1 of 4 stars; one submission).

Conditions:
Ataxia-telangiectasia syndrome (AT). Also called: ATAXIA-TELANGIECTASIA, COMPLEMENTATION GROUP A; ATAXIA-TELANGIECTASIA, FRESNO VARIANT; Ataxia-telangiectasia, complementation group D; LOUIS-BAR SYNDROME; AT, COMPLEMENTATION GROUP C; Ataxia-telangiectasia. Identifiers: Orphanet 100, MedGen C0004135, MONDO:0008840, OMIM 208900.

Submission:

Labcorp Genetics (formerly Invitae), Labcorp
Classification: Uncertain significance for Ataxia-telangiectasia syndrome. Last evaluated: 2024-01-04. Review status: criteria provided, single submitter. Criteria: Invitae Variant Classification Sherloc (09022015). Collection method: clinical testing. Allele origin: germline.
Comment: This variant, c.3958_3960del, results in the deletion of 1 amino acid(s) of the ATM protein (p.Asp1320del), but otherwise preserves the integrity of the reading frame. This variant is not present in population databases (gnomAD no frequency). This variant has not been reported in the literature in individuals affected with ATM-related conditions. Experimental studies and prediction algorithms are not available or were not evaluated, and the functional significance of this variant is currently unknown. In summary, the available evidence is currently insufficient to determine the role of this variant in disease. Therefore, it has been classified as a Variant of Uncertain Significance.

NM_000051.4(ATM):c.3958_3960del (p.Asp1320del)

Gene: ATM (ATM serine/threonine kinase; plus strand). Cytogenetic location: 11q22.3.
Variant type: Deletion.
Coding change: c.3958_3960del on transcript NM_000051.4 (MANE Select); coding-DNA positions 3958 to 3960, 3 bases deleted (GAT; older notation c.3958_3960delGAT).
Protein change: p.Asp1320del; deletes aspartic acid 1320.
Molecular consequence: inframe deletion.
Genome position (GRCh38, 1-based): chr11:108,284,438-108,284,440, GAT deleted; deleting any 3 consecutive bases within chr11:108,284,436-108,284,440 gives the same sequence; the c. name uses the placement nearest the transcript's 3' end. VCF-style (leftmost placement, unchanged base first): chr11-108284435-TATG-T. GRCh37 (hg19) VCF-style: chr11-108155162-TATG-T.
Other names: c.3958_3960del, p.Asp1320del (NM_001351834.2); short protein forms D1320del.
Identifiers: ClinVar variation 2707430 (VCV002707430.3), dbSNP rs2546887942, ClinGen allele CA2615846885.